The following is an entry in ClinVar:

NM_020894.4(UVSSA):c.1152G>C (p.Glu384Asp)

Gene: UVSSA (UV stimulated scaffold protein A; plus strand). Cytogenetic location: 4p16.3.
Variant type: single nucleotide variant.
Coding change: c.1152G>C on transcript NM_020894.4 (MANE Select); coding-DNA position 1152, G replaced by C.
Protein change: p.Glu384Asp; replaces glutamic acid 384 with aspartic acid.
Molecular consequence: missense variant.
Genome position (GRCh38, 1-based): chr4:1,355,221, G>C. VCF-style: chr4-1355221-G-C. GRCh37 (hg19) VCF-style: chr4-1349009-G-C.
Other names: c.1152G>C, p.Glu384Asp (NM_001317934.2, NM_001317935.2); short protein forms E384D.
Identifiers: ClinVar variation 4530886 (VCV004530886.1).

ClinVar aggregate classification (germline): Uncertain significance (1 of 4 stars; one submission).

Submission:

GeneDx
Classification: Uncertain significance. Last evaluated: 2025-05-21. Review status: criteria provided, single submitter. Criteria: GeneDx Variant Classification Process June 2021. Collection method: clinical testing. Allele origin: germline. Affected: yes.
Comment: Not observed at significant frequency in large population cohorts (gnomAD); In silico analysis suggests that this missense variant does not alter protein structure/function; Has not been previously published as pathogenic or benign to our knowledge